The following is an entry in ClinVar:

ClinVar aggregate classification (germline): Uncertain significance. Review status: criteria provided, multiple submitters, no conflicts (2 of 4 stars). 3 submissions from 3 submitters: Uncertain significance (3). Last evaluated 2024-11-11.

Conditions:
Cardiomyopathy (CMYO). Also called: Cardiomyopathies. Identifiers: Orphanet 167848, MedGen C0878544, MONDO:0004994, HP:0001638. Inheritance: Various modes of inheritance.
Hypertrophic cardiomyopathy. Also called: HYPERTROPHIC MYOCARDIOPATHY. Identifiers: Orphanet 217569, MedGen C0007194, MeSH D002312, MONDO:0005045, HP:0001639.

Allele frequency attached by ClinVar (database versions not stated): gnomAD exomes below 0.00001 and 0.00001; ExAC 0.00002.
gnomAD v4.1: 6 of 1,613,676 alleles (0.00037%); highest among the groups gnomAD compares: South Asian, 0.0055%; no homozygotes.

Submissions (3):

Labcorp Genetics (formerly Invitae), Labcorp
Classification: Uncertain significance for Hypertrophic cardiomyopathy. Last evaluated: 2024-11-11. Review status: criteria provided, single submitter. Criteria: Invitae Variant Classification Sherloc (09022015). Collection method: clinical testing. Allele origin: germline.
Comment: This sequence change replaces valine, which is neutral and non-polar, with methionine, which is neutral and non-polar, at codon 1368 of the MYH7 protein (p.Val1368Met). This variant is present in population databases (rs771892152, gnomAD 0.006%). This variant has not been reported in the literature in individuals affected with MYH7-related conditions. ClinVar contains an entry for this variant (Variation ID: 919064). Invitae Evidence Modeling of protein sequence and biophysical properties (such as structural, functional, and spatial information, amino acid conservation, physicochemical variation, residue mobility, and thermodynamic stability) indicates that this missense variant is expected to disrupt MYH7 protein function with a positive predictive value of 95%. In summary, the available evidence is currently insufficient to determine the role of this variant in disease. Therefore, it has been classified as a Variant of Uncertain Significance.

Color Diagnostics, LLC DBA Color Health
Classification: Uncertain significance for Cardiomyopathy. Last evaluated: 2024-03-06. Review status: criteria provided, single submitter. Criteria: ACMG Guidelines, 2015. Collection method: clinical testing. Allele origin: germline.
Comment: This missense variant replaces valine with methionine at codon 1368 of the MYH7 protein. Computational prediction is inconclusive regarding the impact of this variant on protein structure and function (internally defined REVEL score threshold 0.5 < inconclusive < 0.7, PMID: 27666373). To our knowledge, functional studies have not been reported for this variant. This variant has not been reported in individuals affected with cardiovascular disorders in the literature. This variant has been identified in 2/251474 chromosomes in the general population by the Genome Aggregation Database (gnomAD). The available evidence is insufficient to determine the role of this variant in disease conclusively. Therefore, this variant is classified as a Variant of Uncertain Significance.

All of Us Research Program, National Institutes of Health
Classification: Uncertain significance for Cardiomyopathy. Last evaluated: 2023-08-15. Review status: criteria provided, single submitter. Criteria: ACMG Guidelines, 2015. Collection method: clinical testing. Allele origin: germline. Inheritance: Autosomal dominant inheritance. Observed: 1 variant allele, 1 heterozygote.
Comment: This study involves interpretation of variants in research participants for the purpose of population health screening. Participant phenotype was not available at the time of variant classification. Additional details can be found in publication PMID: 35346344, PMCID: PMC8962531

NM_000257.4(MYH7):c.4102G>A (p.Val1368Met)

Gene: MYH7 (myosin heavy chain 7; minus strand). Cytogenetic location: 14q11.2.
Variant type: single nucleotide variant.
Coding change: c.4102G>A on transcript NM_000257.4 (MANE Select); coding-DNA position 4102, G replaced by A.
Protein change: p.Val1368Met; replaces valine 1368 with methionine.
Molecular consequence: missense variant.
Genome position (GRCh38, 1-based): chr14:23,418,277, C>T on the plus strand (G>A on the coding strand, the complement: MYH7 is on the minus strand). VCF-style: chr14-23418277-C-T. GRCh37 (hg19) VCF-style: chr14-23887486-C-T.
Other names: short protein forms V1368M.
Identifiers: ClinVar variation 919064 (VCV000919064.12), dbSNP rs771892152, ClinGen allele CA040417.